The following is an entry in ClinVar:

ClinVar aggregate classification (germline): Benign. Review status: criteria provided, multiple submitters, no conflicts (2 of 4 stars). 14 submissions from 13 submitters: Benign (10). 4 of the submissions do not count toward it. Last evaluated 2026-03-27.

Conditions:
Becker muscular dystrophy (BMD). Also called: Becker Muscular Dystrophy (BMD); MUSCULAR DYSTROPHY, PSEUDOHYPERTROPHIC PROGRESSIVE, BECKER TYPE. Identifiers: Orphanet 98895, MedGen C0917713, MONDO:0010311, OMIM 300376.
Duchenne muscular dystrophy (DMD). Also called: Duchenne Muscular Dystrophy (DMD); MUSCULAR DYSTROPHY, PSEUDOHYPERTROPHIC PROGRESSIVE, DUCHENNE TYPE. Identifiers: Orphanet 98896, MedGen C0013264, MONDO:0010679, OMIM 310200.
Dystrophin deficiency.
Cardiomyopathy (CMYO). Also called: Cardiomyopathies. Identifiers: Orphanet 167848, MedGen C0878544, MONDO:0004994, HP:0001638. Inheritance: Various modes of inheritance.
Dilated cardiomyopathy 3B (CMD3B). Also called: CMD3B: DMD-Related Dilated Cardiomyopathy; CARDIOMYOPATHY, DILATED, X-LINKED; DMD-Associated Dilated Cardiomyopathy. Identifiers: Orphanet 154, MedGen C3668940, MONDO:0010542, OMIM 302045.

Allele frequency attached by ClinVar (database versions not stated): 1000 Genomes Project 0.88185; 1000 Genomes Project 30x 0.88283; gnomAD exomes 0.89781; ExAC 0.90452; TOPMed 0.93722; gnomAD 0.95243; ESP Exome Variant Server 0.95682.

Submissions (14):

Molecular Diagnostic Laboratory for Inherited Cardiovascular Disease, Montreal Heart Institute
Classification: Benign. Last evaluated: 2026-03-27. Review status: criteria provided, single submitter. Criteria: ACMG Guidelines, 2015. Collection method: clinical testing. Allele origin: germline. Affected: no.

Labcorp Genetics (formerly Invitae), Labcorp
Classification: Benign for Duchenne muscular dystrophy. Last evaluated: 2026-02-04. Review status: criteria provided, single submitter. Criteria: Invitae Variant Classification Sherloc (09022015). Collection method: clinical testing. Allele origin: germline.

ARUP Laboratories, Molecular Genetics and Genomics, ARUP Laboratories
Classification: Benign. Last evaluated: 2025-07-28. Review status: criteria provided, single submitter. Criteria: ARUP Molecular Germline Variant Investigation Process 2024. Collection method: clinical testing. Allele origin: germline.

Blueprint Genetics
Classification: Benign. Last evaluated: 2024-11-28. Review status: criteria provided, single submitter. Criteria: ACMG Guidelines, 2015. Collection method: clinical testing. Allele origin: germline.

Genome-Nilou Lab
Classification: Benign for Dilated cardiomyopathy 3B. Last evaluated: 2021-07-30. Review status: criteria provided, single submitter. Criteria: ACMG Guidelines, 2015. Collection method: clinical testing. Allele origin: germline. Affected: no.

Genome-Nilou Lab
Classification: Benign for Duchenne muscular dystrophy. Last evaluated: 2021-07-30. Review status: criteria provided, single submitter. Criteria: ACMG Guidelines, 2015. Collection method: clinical testing. Allele origin: germline. Affected: no.

Mendelics
Classification: Benign for Duchenne muscular dystrophy. Last evaluated: 2019-05-28. Review status: criteria provided, single submitter. Criteria: Mendelics Assertion Criteria 2017. Collection method: clinical testing. Allele origin: unknown.

Eurofins Ntd Llc (ga)
Classification: Benign. Last evaluated: 2016-02-02. Review status: criteria provided, single submitter. Criteria: EGL Classification Definitions 2015. Collection method: clinical testing. Allele origin: germline. Observed: 761 variant alleles, 44 heterozygotes, 286 homozygotes, 434 hemizygotes.

Laboratory for Molecular Medicine, Mass General Brigham Personalized Medicine
Classification: Benign. Last evaluated: 2014-11-26. Review status: criteria provided, single submitter. Criteria: LMM Criteria. Collection method: clinical testing. Allele origin: germline. Observed: 561 variant alleles.
Comment: This is a RefSeq error. The reference base (c.8810G) is the minor allele. This a llele (G) has been identified in 6% (409/6728) of European American chromosomes and 1% (47/3833) of African American chromosomes by the NHLBI Exome Sequencing P roject (dbSNP rs1800280) and thus meets crite ria to be classified as benign.

Breakthrough Genomics
Classification: Benign. Review status: criteria provided, single submitter. Criteria: ACMG Guidelines, 2015. Collection method: not provided. Allele origin: germline. Inheritance: X-linked inheritance. Affected: yes.

Natera, Inc.
Classification: Benign for Becker muscular dystrophy; Cardiomyopathy; Duchenne muscular dystrophy; Dystrophin deficiency. Last evaluated: 2017-04-20. Review status: no assertion criteria provided. Collection method: clinical testing. Allele origin: germline. Not counted in ClinVar's aggregate classification.

Clinical Genetics, Academic Medical Center
Classification: Benign. Review status: no assertion criteria provided. Collection method: clinical testing. Allele origin: germline. Affected: yes. Study: VKGL Data-share Consensus. Not counted in ClinVar's aggregate classification.

Diagnostic Laboratory, Department of Genetics, University Medical Center Groningen
Classification: Benign. Review status: no assertion criteria provided. Collection method: clinical testing. Allele origin: germline. Affected: yes. Study: VKGL Data-share Consensus. Not counted in ClinVar's aggregate classification.

Genome Diagnostics Laboratory, University Medical Center Utrecht
Classification: Benign. Review status: no assertion criteria provided. Collection method: clinical testing. Allele origin: germline. Affected: yes. Study: VKGL Data-share Consensus. Not counted in ClinVar's aggregate classification.

NM_004006.3(DMD):c.8810G>A (p.Arg2937Gln)

Gene: DMD (dystrophin; minus strand). Cytogenetic location: Xp21.2.
Variant type: single nucleotide variant.
Coding change: c.8810G>A on transcript NM_004006.3 (MANE Select); coding-DNA position 8810, G replaced by A.
Protein change: p.Arg2937Gln; replaces arginine 2937 with glutamine.
Molecular consequence: missense variant. On other transcripts: no sequence alteration (2).
Genome position (GRCh38, 1-based): chrX:31,478,233, C>T on the plus strand (G>A on the coding strand, the complement: DMD is on the minus strand). VCF-style: chrX-31478233-C-T. GRCh37 (hg19) VCF-style: chrX-31496350-C-T.
Other names: c.8786G>A, p.Arg2929Gln (NM_000109.4); c.8798=, p.Gln2933= (NM_004009.3); c.8441=, p.Gln2814= (NM_004010.3); c.4787G>A, p.Arg1596Gln (NM_004011.4); c.4778G>A, p.Arg1593Gln (NM_004012.4); c.1430G>A, p.Arg477Gln (NM_004013.3, NM_004020.4, NM_004021.3 and 2 more transcripts); c.623G>A, p.Arg208Gln (NM_004014.3); short protein forms R2937Q, R2929Q, R477Q, R1593Q, R1596Q, R208Q.
Identifiers: ClinVar variation 166667 (VCV000166667.44), dbSNP rs1800280, ClinGen allele CA179720.